The following is an entry in ClinVar:

NM_005188.4(CBL):c.1610C>T (p.Pro537Leu)

Gene: CBL (Cbl proto-oncogene; plus strand). Cytogenetic location: 11q23.3.
Variant type: single nucleotide variant.
Coding change: c.1610C>T on transcript NM_005188.4 (MANE Select); coding-DNA position 1610, C replaced by T.
Protein change: p.Pro537Leu; replaces proline 537 with leucine.
Molecular consequence: missense variant.
Genome position (GRCh38, 1-based): chr11:119,285,235, C>T. VCF-style: chr11-119285235-C-T. GRCh37 (hg19) VCF-style: chr11-119155945-C-T.
Other names: short protein forms P537L.
Identifiers: ClinVar variation 3996092 (VCV003996092.1).

ClinVar aggregate classification (germline): Uncertain significance (1 of 4 stars; one submission).

Conditions:
Cardiovascular phenotype. Identifiers: MedGen CN230736.

Submission:

Ambry Genetics
Classification: Uncertain significance for Cardiovascular phenotype. Last evaluated: 2025-06-12. Review status: criteria provided, single submitter. Criteria: Ambry Variant Classification Scheme 2023. Collection method: clinical testing. Allele origin: germline.
Comment: The p.P537L variant (also known as c.1610C>T), located in coding exon 11 of the CBL gene, results from a C to T substitution at nucleotide position 1610. The proline at codon 537 is replaced by leucine, an amino acid with similar properties. This amino acid position is conserved. In addition, the in silico prediction for this alteration is inconclusive. Based on the available evidence, the clinical significance of this variant remains unclear.